The following is an entry in ClinVar:

NM_001035.3(RYR2):c.3277A>C (p.Thr1093Pro)

Gene: RYR2 (ryanodine receptor 2; plus strand). Cytogenetic location: 1q43.
Variant type: single nucleotide variant.
Coding change: c.3277A>C on transcript NM_001035.3 (MANE Select); coding-DNA position 3277, A replaced by C.
Protein change: p.Thr1093Pro; replaces threonine 1093 with proline.
Molecular consequence: missense variant.
Genome position (GRCh38, 1-based): chr1:237,566,629, A>C. VCF-style: chr1-237566629-A-C. GRCh37 (hg19) VCF-style: chr1-237729929-A-C.
Other names: short protein forms T1093P.
Identifiers: ClinVar variation 927173 (VCV000927173.15), dbSNP rs1672114573, ClinGen allele CA345398101.

ClinVar aggregate classification (germline): Uncertain significance. Review status: criteria provided, multiple submitters, no conflicts (2 of 4 stars). 3 submissions from 3 submitters: Uncertain significance (3). Last evaluated 2024-01-08.

Conditions:
Cardiomyopathy (CMYO). Also called: Cardiomyopathies. Identifiers: Orphanet 167848, MedGen C0878544, MONDO:0004994, HP:0001638. Inheritance: Various modes of inheritance.
Catecholaminergic polymorphic ventricular tachycardia 1. Also called: VENTRICULAR TACHYCARDIA, CATECHOLAMINERGIC POLYMORPHIC, 1, WITH OR WITHOUT ATRIAL DYSFUNCTION AND/OR DILATED CARDIOMYOPATHY; VENTRICULAR TACHYCARDIA, STRESS-INDUCED POLYMORPHIC 1; RYR2-Related Catecholaminergic Polymorphic Ventricular Tachycardia. Identifiers: Orphanet 3286, MedGen C1631597, MONDO:0011484, OMIM 604772.
Catecholaminergic polymorphic ventricular tachycardia (CVPT). Also called: Catecholamine-induced polymorphic ventricular tachycardia. Identifiers: Orphanet 3286, MedGen C5574922, MONDO:0017990.

Allele frequency attached by ClinVar (database versions not stated): gnomAD exomes below 0.00001.
gnomAD v4.1: 1 of 1,613,974 alleles (0.000062%); highest among the groups gnomAD compares: Non-Finnish European, 0.000085%; no homozygotes.

Submissions (3):

All of Us Research Program, National Institutes of Health
Classification: Uncertain significance for Catecholaminergic polymorphic ventricular tachycardia. Last evaluated: 2024-01-08. Review status: criteria provided, single submitter. Criteria: ACMG Guidelines, 2015. Collection method: clinical testing. Allele origin: germline. Inheritance: Autosomal dominant inheritance. Observed: 1 variant allele, 1 heterozygote.
Comment: Variant of Uncertain Significance due to insufficient evidence: This missense variant is located in the cytoplasmic SPRY domain 2 of the RYR2 protein. Computational prediction tools and conservation analyses suggest that this variant may have deleterious impact on the protein function. Computational splicing tools suggest that this variant may not impact RNA splicing. To our knowledge, functional assays have not been performed for this variant nor has this variant been reported in individuals affected with cardiovascular disorders in the literature. This variant is rare in the general population and has been identified in 0/277264 chromosomes by the Genome Aggregation Database (gnomAD). Available evidence is insufficient to determine the role of this variant in disease conclusively.

This study involves interpretation of variants in research participants for the purpose of population health screening. Participant phenotype was not available at the time of variant classification. Additional details can be found in publication PMID: 35346344, PMCID: PMC8962531

Color Diagnostics, LLC DBA Color Health
Classification: Uncertain significance for Cardiomyopathy. Last evaluated: 2023-12-05. Review status: criteria provided, single submitter. Criteria: ACMG Guidelines, 2015. Collection method: clinical testing. Allele origin: germline.
Comment: Variant of Uncertain Significance due to insufficient evidence: This missense variant is located in the cytoplasmic SPRY domain 2 of the RYR2 protein. Computational prediction tools and conservation analyses suggest that this variant may have deleterious impact on the protein function. Computational splicing tools suggest that this variant may not impact RNA splicing. To our knowledge, functional assays have not been performed for this variant nor has this variant been reported in individuals affected with cardiovascular disorders in the literature. This variant is rare in the general population and has been identified in 0/277264 chromosomes by the Genome Aggregation Database (gnomAD). Available evidence is insufficient to determine the role of this variant in disease conclusively.

Labcorp Genetics (formerly Invitae), Labcorp
Classification: Uncertain significance for Catecholaminergic polymorphic ventricular tachycardia 1. Last evaluated: 2021-03-16. Review status: criteria provided, single submitter. Criteria: Invitae Variant Classification Sherloc (09022015). Collection method: clinical testing. Allele origin: germline.
Comment: Algorithms developed to predict the effect of missense changes on protein structure and function (SIFT, PolyPhen-2, Align-GVGD) all suggest that this variant is likely to be disruptive, but these predictions have not been confirmed by published functional studies and their clinical significance is uncertain. This variant does not occur within one of the three regions of the RYR2 gene (N-terminal domain, central domain, or channel region) where other pathogenic variants have been reported to cluster (PMID: 19926015)." This variant has not been reported in the literature in individuals with RYR2-related disease. This variant is not present in population databases (ExAC no frequency). This sequence change replaces threonine with proline at codon 1093 of the RYR2 protein (p.Thr1093Pro). The threonine residue is highly conserved and there is a small physicochemical difference between threonine and proline. In summary, the available evidence is currently insufficient to determine the role of this variant in disease. Therefore, it has been classified as a Variant of Uncertain Significance.

Literature cited by the submitters: PubMed 19926015 (cited by Labcorp Genetics (formerly Invitae), Labcorp).